The following is an entry in ClinVar:

ClinVar aggregate classification (germline): Uncertain significance. Review status: reviewed by expert panel (3 of 4 stars). 14 submissions from 14 submitters: Uncertain significance (1). 13 of the submissions do not count toward it. Last evaluated 2023-04-05.

Conditions:
PALB2-related disorder. Also called: PALB2-related condition; PALB2-related disorders.
PALB2-related cancer predisposition. Identifiers: MedGen CN377761, MONDO:0700272.
Hereditary cancer-predisposing syndrome. Also called: Tumor predisposition; Neoplastic Syndromes, Hereditary; Hereditary Cancer Syndrome; Hereditary neoplastic syndrome. Identifiers: Orphanet 140162, MedGen C0027672, MeSH D009386, MONDO:0015356.
Familial cancer of breast. Also called: Hereditary breast cancer; BREAST CANCER, FAMILIAL; hereditary breast carcinoma. Identifiers: Orphanet 227535, MedGen C0346153, MONDO:0016419, OMIM 114480. Disease mechanism: loss of function.

Allele frequency attached by ClinVar (database versions not stated): gnomAD 0.00005 and 0.00006; TOPMed 0.00006; ESP Exome Variant Server 0.00008.
gnomAD v4.1: 16 of 1,612,736 alleles (0.00099%); highest among the groups gnomAD compares: African/African-American, 0.016%; no homozygotes.

Submissions (14):

ClinGen Hereditary Breast, Ovarian and Pancreatic Cancer Variant Curation Expert Panel, ClinGen
Classification: Uncertain significance for PALB2-related cancer predisposition. Last evaluated: 2023-04-05. Review status: reviewed by expert panel. Criteria: ClinGen HBOP VCEP ACMG Specifications PALB2 V1.0.0. Collection method: curation. Allele origin: germline. Inheritance: Autosomal dominant inheritance.
Comment: The c.109C>A variant in PALB2 is a missense variant predicted to cause substitution of arginine by serine at amino acid 37 (p.Arg37Ser). The highest population minor allele frequency in gnomAD v2.1.1 is 0.00012 in the African population (PM2_Supporting, BS1, and BA1 are not met). This variant is functional in multiple different protein assays (PMID: 31636395); however due to a lack of positive missense controls with known clinical impact, these protein assays do not meet the requirements for use by the HBOP VCEP. PALB2, in which the variant was identified, is defined by the HBOP VCEP as a gene for which primarily truncating variants are known to cause disease. In summary, this variant meets the criteria to be classified as a variant of uncertain significance for autosomal dominant hereditary breast and pancreatic cancer and autosomal recessive FANCN based on the ACMG/AMP criteria applied as specified by the HBOP VCEP. (BP1)

Women's Health and Genetics/Laboratory Corporation of America, LabCorp
Classification: Uncertain significance. Last evaluated: 2026-02-03. Review status: criteria provided, single submitter. Criteria: LabCorp Variant Classification Summary - May 2015. Collection method: clinical testing. Allele origin: germline. Not counted in ClinVar's aggregate classification.
Comment: Variant summary: PALB2 c.109C>A (p.Arg37Ser) results in a non-conservative amino acid change located in the coiled coil domain (Boonen_2020) of the encoded protein sequence. Algorithms developed to predict the effect of missense changes on protein structure and function are either unavailable or do not agree on the potential impact of this missense change. Consensus agreement among computation tools predict no significant impact on normal splicing. However, these predictions have yet to be confirmed by functional studies. The variant allele was found at a frequency of 1.6e-05 in 251456 control chromosomes. The available data on variant occurrences in the general population are insufficient to allow any conclusion about variant significance. c.109C>A has been observed in individual(s) affected with ER positive, HER negative breast cancer (Lerner-Ellis_2017). These report(s) do not provide unequivocal conclusions about association of the variant with Hereditary Breast And Ovarian Cancer Syndrome. At least two publications report primary experimental evidence evaluating an impact on protein function (Wiltshire_2020, Brnich_2021 and reviewed in Boonen_2020). These results showed no damaging effect of this variant on homology directed repair activity (Wiltshire_2019) and an intermediate assay read out on homology directed repair function (Brnich_2021). The following publications have been ascertained in the context of this evaluation (PMID: 33195396, 33964450, 28194609, 31636395). ClinVar contains an entry for this variant (Variation ID: 185108). Based on the evidence outlined above, the variant was classified as uncertain significance.

Labcorp Genetics (formerly Invitae), Labcorp
Classification: Uncertain significance for Familial cancer of breast. Last evaluated: 2025-11-17. Review status: criteria provided, single submitter. Criteria: Invitae Variant Classification Sherloc (09022015). Collection method: clinical testing. Allele origin: germline. Not counted in ClinVar's aggregate classification.
Comment: This sequence change replaces arginine, which is basic and polar, with serine, which is neutral and polar, at codon 37 of the PALB2 protein (p.Arg37Ser). This variant is present in population databases (rs200048921, gnomAD 0.01%). This missense change has been observed in individual(s) with breast cancer (PMID: 28194609, 29522266). ClinVar contains an entry for this variant (Variation ID: 185108). An algorithm developed to predict the effect of missense changes on protein structure and function (PolyPhen-2) suggests that this variant is likely to be disruptive. Experimental studies have shown that this missense change does not substantially affect PALB2 function (PMID: 31636395, 33964450). In summary, the available evidence is currently insufficient to determine the role of this variant in disease. Therefore, it has been classified as a Variant of Uncertain Significance.

Ambry Genetics
Classification: Uncertain significance for Hereditary cancer-predisposing syndrome. Last evaluated: 2024-12-17. Review status: criteria provided, single submitter. Criteria: Ambry Variant Classification Scheme 2023. Collection method: clinical testing. Allele origin: germline. Not counted in ClinVar's aggregate classification.
Comment: The p.R37S variant (also known as c.109C>A), located in coding exon 3 of the PALB2 gene, results from a C to A substitution at nucleotide position 109. This variant impacts the first base pair of coding exon 3. The arginine at codon 37 is replaced by serine, an amino acid with dissimilar properties. This alteration was found to be functionally normal in DNA-repair assays (Wiltshire T et al. Genet. Med. 2020 03;22:622-632; Brnich SE et al. J Mol Diagn. 2021 07;23:847-864). This amino acid position is highly conserved in available vertebrate species. In addition, the in silico prediction for this alteration is inconclusive. Based on the available evidence, the clinical significance of this variant remains unclear.

Quest Diagnostics Nichols Institute San Juan Capistrano
Classification: Uncertain significance. Last evaluated: 2024-11-13. Review status: criteria provided, single submitter. Criteria: Quest Diagnostics criteria. Collection method: clinical testing. Allele origin: unknown. Not counted in ClinVar's aggregate classification.
Comment: The PALB2 c.109C>A (p.Arg37Ser) variant has been reported in the published literature in individuals with breast cancer (PMIDs: 29522266 (2018), 28194609 (2017)). Functional studies indicate this variant has mild to neutral effect on PALB2 DNA repair activity (PMIDs: 33964450 (2021), 31636395 (2020)). The frequency of this variant in the general population, 0.000016 (4/251456 chromosomes (Genome Aggregation Database)), is uninformative in the assessment of its pathogenicity. Analysis of this variant using bioinformatics tools for the prediction of the effect of amino acid changes on protein structure and function yielded predictions that this variant is damaging. Based on the available information, we are unable to determine the clinical significance of this variant.

Color Diagnostics, LLC DBA Color Health
Classification: Uncertain significance for Hereditary cancer-predisposing syndrome. Last evaluated: 2024-01-02. Review status: criteria provided, single submitter. Criteria: ACMG Guidelines, 2015. Collection method: clinical testing. Allele origin: germline. Not counted in ClinVar's aggregate classification.
Comment: This missense variant replaces arginine with serine at codon 37 of the PALB2 protein. Computational prediction suggests that this variant may not impact protein structure and function. Two functional studies have reported that this variant does not impact BRCA1 function in homology-directed repair assays (PMID: 31636395, 33964450). This variant has been reported in an individual affected with breast cancer (PMID: 28194609) and a suspected hereditary breast and ovarian cancer family (PMID: 29522266). This variant has been identified in 4/251456 chromosomes in the general population by the Genome Aggregation Database (gnomAD). The available evidence is insufficient to determine the role of this variant in disease conclusively. Therefore, this variant is classified as a Variant of Uncertain Significance.

Baylor Genetics
Classification: Uncertain significance for Familial cancer of breast. Last evaluated: 2023-10-03. Review status: criteria provided, single submitter. Criteria: ACMG Guidelines, 2015. Collection method: clinical testing. Allele origin: unknown. Not counted in ClinVar's aggregate classification.

GeneDx
Classification: Uncertain significance. Last evaluated: 2023-07-26. Review status: criteria provided, single submitter. Criteria: GeneDx Variant Classification Process June 2021. Collection method: clinical testing. Allele origin: germline. Affected: yes. Not counted in ClinVar's aggregate classification.
Comment: Not observed at significant frequency in large population cohorts (gnomAD); In silico analysis supports that this missense variant has a deleterious effect on protein structure/function; Observed in individuals with breast cancer (Lerner-Ellis et al., 2017; Hauke et al., 2018); Published functional studies demonstrate no significant impact on HDR activity (Wiltshire et al., 2020; Brnich et al., 2021); This variant is associated with the following publications: (PMID: 33195396, 33964450, 20871615, 19369211, 36139699, 28194609, 29522266, 34522520, 31636395)

Myriad Genetics, Inc.
Classification: Likely benign for Familial cancer of breast. Last evaluated: 2023-03-30. Review status: criteria provided, single submitter. Criteria: Myriad Autosomal Dominant, Autosomal Recessive and X-Linked Classification Criteria (2023). Collection method: clinical testing. Allele origin: unknown. Not counted in ClinVar's aggregate classification.
Comment: This variant is considered likely benign. This variant is strongly associated with less severe personal and family histories of cancer, typical for individuals without pathogenic variants in this gene [PMID: 25085752].

Mendelics
Classification: Uncertain significance for Hereditary cancer-predisposing syndrome. Last evaluated: 2018-07-02. Review status: criteria provided, single submitter. Criteria: Mendelics Assertion Criteria 2017. Collection method: clinical testing. Allele origin: unknown. Not counted in ClinVar's aggregate classification.

PreventionGenetics, part of Exact Sciences
Classification: Uncertain significance for PALB2-related condition. Last evaluated: 2024-05-16. Review status: no assertion criteria provided. Collection method: clinical testing. Allele origin: germline. Not counted in ClinVar's aggregate classification.
Comment: The PALB2 c.109C>A variant is predicted to result in the amino acid substitution p.Arg37Ser. This variant was reported in two patients with breast or ovarian cancer (Lerner-Ellis et al. 2017. PubMed ID: 28194609; Hauke et al. 2018. PubMed ID: 29522266). Functional studies are inconclusive regarding the effect of this variant (Wiltshire et al. 2019. PubMed ID: 31636395; Brnich et al. 2021. PubMed ID: 33964450). This variant is reported in 0.012% of alleles in individuals of African descent in gnomAD. The variant has conflicting classifications in ClinVar, though most submissions classify the variant as uncertain. Although we suspect that this variant may be pathogenic, at this time, the clinical significance of this variant is uncertain due to the absence of conclusive functional and genetic evidence.

Counsyl
Classification: Uncertain significance for Familial cancer of breast. Last evaluated: 2016-10-19. Review status: no assertion criteria provided. Collection method: clinical testing. Allele origin: unknown. Not counted in ClinVar's aggregate classification.

Clinical Genetics DNA and cytogenetics Diagnostics Lab, Erasmus MC, Erasmus Medical Center
Classification: Uncertain significance. Review status: no assertion criteria provided. Collection method: clinical testing. Allele origin: germline. Affected: yes. Study: VKGL Data-share Consensus. Not counted in ClinVar's aggregate classification.

Joint Genome Diagnostic Labs from Nijmegen and Maastricht, Radboudumc and MUMC+
Classification: Uncertain significance. Review status: no assertion criteria provided. Collection method: clinical testing. Allele origin: germline. Affected: yes. Study: VKGL Data-share Consensus. Not counted in ClinVar's aggregate classification.

Literature cited by the submitters: PubMed 28194609 (cited by 5 submitters); PubMed 31636395 (cited by 5 submitters); PubMed 33195396 (cited by Women's Health and Genetics/Laboratory Corporation of America, LabCorp); PubMed 33964450 (cited by 5 submitters); PubMed 29522266 (cited by 4 submitters); PubMed 34092963 (cited by Quest Diagnostics Nichols Institute San Juan Capistrano); PubMed 36139699 (cited by Quest Diagnostics Nichols Institute San Juan Capistrano); PubMed 25085752 (cited by Myriad Genetics, Inc.).

NM_024675.4(PALB2):c.109C>A (p.Arg37Ser)

Gene: PALB2 (partner and localizer of BRCA2; minus strand). Cytogenetic location: 16p12.2.
Variant type: single nucleotide variant.
Coding change: c.109C>A on transcript NM_024675.4 (MANE Select); coding-DNA position 109, C replaced by A.
Protein change: p.Arg37Ser; replaces arginine 37 with serine.
Molecular consequence: missense variant.
Genome position (GRCh38, 1-based): chr16:23,637,952, G>T on the plus strand (C>A on the coding strand, the complement: PALB2 is on the minus strand). VCF-style: chr16-23637952-G-T. GRCh37 (hg19) VCF-style: chr16-23649273-G-T.
Other names: NM_024675.4(PALB2):c.109C>A; short protein forms R37S.
Identifiers: ClinVar variation 185108 (VCV000185108.39), dbSNP rs200048921, ClinGen allele CA191059.